The following is an entry in ClinVar:

NM_001347721.2(DYRK1A):c.2008G>C (p.Ala670Pro)

Gene: DYRK1A (dual specificity tyrosine phosphorylation regulated kinase 1A; plus strand). Cytogenetic location: 21q22.13.
Variant type: single nucleotide variant.
Coding change: c.2008G>C on transcript NM_001347721.2 (MANE Select); coding-DNA position 2008, G replaced by C.
Protein change: p.Ala670Pro; replaces alanine 670 with proline.
Molecular consequence: missense variant. On other transcripts: 3 prime UTR variant (2).
Genome position (GRCh38, 1-based): chr21:37,512,274, G>C. VCF-style: chr21-37512274-G-C. GRCh37 (hg19) VCF-style: chr21-38884577-G-C.
Other names: c.2008G>C, p.Ala670Pro (NM_001347722.2, NM_130436.2); c.1921G>C, p.Ala641Pro (NM_001347723.2); c.2035G>C, p.Ala679Pro (NM_001396.5); c.*411G>C (NM_101395.2); c.*320G>C (NM_130438.2); short protein forms A679P, A670P, A641P.
Identifiers: ClinVar variation 210893 (VCV000210893.49), dbSNP rs55720916, ClinGen allele CA206632.

ClinVar aggregate classification (germline): Benign/Likely benign. Review status: criteria provided, multiple submitters, no conflicts (2 of 4 stars). 8 submissions from 8 submitters: Benign (6); Likely benign (2). Last evaluated 2026-02-03.

Conditions:
DYRK1A-related intellectual disability syndrome (MRD7). Also called: DYRK1A Syndrome; Intellectual developmental disorder, autosomal dominant 7. Identifiers: Orphanet 464306, MedGen C5568143, MONDO:0013578, OMIM 614104.
Inborn genetic diseases. Identifiers: MedGen C0950123, MeSH D030342.

Allele frequency attached by ClinVar (database versions not stated): 1000 Genomes Project 0.00120; 1000 Genomes Project 30x 0.00156; gnomAD 0.00404 and 0.00446; ESP Exome Variant Server 0.00446; TOPMed 0.00491.
gnomAD v4.1: 1,186 of 1,614,174 alleles (0.073%); highest among the groups gnomAD compares: African/African-American, 1.4%; 8 homozygotes.

Submissions (8):

Labcorp Genetics (formerly Invitae), Labcorp
Classification: Benign for DYRK1A-related intellectual disability syndrome. Last evaluated: 2026-02-03. Review status: criteria provided, single submitter. Criteria: Invitae Variant Classification Sherloc (09022015). Collection method: clinical testing. Allele origin: germline.

Blueprint Genetics
Classification: Likely benign. Last evaluated: 2024-10-08. Review status: criteria provided, single submitter. Criteria: ACMG Guidelines, 2015. Collection method: clinical testing. Allele origin: germline.

CeGaT Center for Human Genetics Tuebingen
Classification: Benign. Last evaluated: 2022-11-01. Review status: criteria provided, single submitter. Criteria: CeGaT Center For Human Genetics Tuebingen Variant Classification Criteria Version 2. Collection method: clinical testing. Allele origin: germline. Affected: yes. Observed: 1 variant allele.
Comment: DYRK1A: BS1, BS2

Athena Diagnostics
Classification: Benign. Last evaluated: 2018-06-14. Review status: criteria provided, single submitter. Criteria: Athena Diagnostics Criteria. Collection method: clinical testing. Allele origin: germline.

Center for Pediatric Genomic Medicine, Children's Mercy Hospital and Clinics
Classification: Likely benign. Last evaluated: 2016-05-19. Review status: criteria provided, single submitter. Criteria: ACMG Guidelines, 2015. Collection method: clinical testing. Allele origin: germline.
ClinVar note: Converted during submission from Likely Benign to Likely benign.

Ambry Genetics
Classification: Benign for Inborn genetic diseases. Last evaluated: 2016-04-15. Review status: criteria provided, single submitter. Criteria: Ambry Variant Classification Scheme 2023. Collection method: clinical testing. Allele origin: germline.

GeneDx
Classification: Benign. Last evaluated: 2015-03-03. Review status: criteria provided, single submitter. Criteria: GeneDx Variant Classification Process June 2021. Collection method: clinical testing. Allele origin: germline. Affected: yes.

Genetic Services Laboratory, University of Chicago
Classification: Benign. Last evaluated: 2014-04-29. Review status: criteria provided, single submitter. Criteria: ACMG Guidelines, 2007. Collection method: clinical testing. Allele origin: germline.